The following is an entry in ClinVar:

ClinVar aggregate classification (germline): Uncertain significance. Review status: criteria provided, multiple submitters, no conflicts (2 of 4 stars). 6 submissions from 6 submitters: Uncertain significance (4). 2 of the submissions do not count toward it. Last evaluated 2025-07-15.

Conditions:
Arrhythmogenic right ventricular dysplasia 5. Also called: Arrhythmogenic Right Ventricular Dysplasia/Cardiomyopathy 5; ARRHYTHMOGENIC RIGHT VENTRICULAR DYSPLASIA, FAMILIAL, 5. Identifiers: MedGen C1858379, MONDO:0011459, OMIM 604400.
Emery-Dreifuss muscular dystrophy 7, autosomal dominant (EDMD7). Also called: Emery-Dreifuss muscular dystrophy 7, AD. Identifiers: Orphanet 261, MedGen C3553060, MONDO:0013677, OMIM 614302.
Auditory neuropathy, autosomal dominant 3 (AUNA3). Identifiers: MedGen C5676964, MONDO:0859235, OMIM 619832.
Cardiomyopathy (CMYO). Also called: Cardiomyopathies. Identifiers: Orphanet 167848, MedGen C0878544, MONDO:0004994, HP:0001638. Inheritance: Various modes of inheritance.

Allele frequency attached by ClinVar (database versions not stated): gnomAD exomes 0.00001.
gnomAD v4.1: 14 of 1,614,046 alleles (0.00087%); highest among the groups gnomAD compares: Non-Finnish European, 0.0012%; no homozygotes.

Submissions (6):

Labcorp Genetics (formerly Invitae), Labcorp
Classification: Uncertain significance for Arrhythmogenic right ventricular dysplasia 5. Last evaluated: 2025-07-15. Review status: criteria provided, single submitter. Criteria: Invitae Variant Classification Sherloc (09022015). Collection method: clinical testing. Allele origin: germline.
Comment: This sequence change replaces phenylalanine, which is neutral and non-polar, with serine, which is neutral and polar, at codon 353 of the TMEM43 protein (p.Phe353Ser). This variant is present in population databases (rs565997790, gnomAD 0.003%). This missense change has been observed in individual(s) with unexplained cardiac arrest (PMID: 35352813). ClinVar contains an entry for this variant (Variation ID: 942943). Invitae Evidence Modeling of protein sequence and biophysical properties (such as structural, functional, and spatial information, amino acid conservation, physicochemical variation, residue mobility, and thermodynamic stability) indicates that this missense variant is not expected to disrupt TMEM43 protein function with a negative predictive value of 80%. In summary, the available evidence is currently insufficient to determine the role of this variant in disease. Therefore, it has been classified as a Variant of Uncertain Significance.

Color Diagnostics, LLC DBA Color Health
Classification: Uncertain significance for Cardiomyopathy. Last evaluated: 2024-03-06. Review status: criteria provided, single submitter. Criteria: ACMG Guidelines, 2015. Collection method: clinical testing. Allele origin: germline.
Comment: This missense variant replaces phenylalanine with serine at codon 353 of the TMEM43 protein. Computational prediction suggests that this variant may not impact protein structure and function (internally defined REVEL score threshold <= 0.5, PMID: 27666373). To our knowledge, functional studies have not been reported for this variant. This variant has not been reported in individuals affected with cardiovascular disorders in the literature. This variant has been identified in 3/251316 chromosomes in the general population by the Genome Aggregation Database (gnomAD). The available evidence is insufficient to determine the role of this variant in disease conclusively. Therefore, this variant is classified as a Variant of Uncertain Significance.

Fulgent Genetics
Classification: Uncertain significance for Arrhythmogenic right ventricular dysplasia 5; Emery-Dreifuss muscular dystrophy 7, autosomal dominant; Auditory neuropathy, autosomal dominant 3. Last evaluated: 2021-10-04. Review status: criteria provided, single submitter. Criteria: ACMG Guidelines, 2015. Collection method: clinical testing. Allele origin: unknown.

GeneDx
Classification: Uncertain significance. Last evaluated: 2020-01-17. Review status: criteria provided, single submitter. Criteria: GeneDx Variant Classification Process June 2021. Collection method: clinical testing. Allele origin: germline. Affected: yes.
Comment: Not observed at a significant frequency in large population cohorts (Lek et al., 2016); In silico analysis, which includes protein predictors and evolutionary conservation, supports a deleterious effect; Has not been previously published as pathogenic or benign to our knowledge

Clinical Genetics, Academic Medical Center
Classification: Uncertain significance. Review status: no assertion criteria provided. Collection method: clinical testing. Allele origin: germline. Affected: yes. Study: VKGL Data-share Consensus. Not counted in ClinVar's aggregate classification.

Diagnostic Laboratory, Department of Genetics, University Medical Center Groningen
Classification: Uncertain significance. Review status: no assertion criteria provided. Collection method: clinical testing. Allele origin: germline. Affected: yes. Study: VKGL Data-share Consensus. Not counted in ClinVar's aggregate classification.

Literature cited by the submitters: PubMed 35352813 (cited by Labcorp Genetics (formerly Invitae), Labcorp).

NM_024334.3(TMEM43):c.1058T>C (p.Phe353Ser)

Gene: TMEM43 (transmembrane protein 43; plus strand). Cytogenetic location: 3p25.1.
Variant type: single nucleotide variant.
Coding change: c.1058T>C on transcript NM_024334.3 (MANE Select); coding-DNA position 1058, T replaced by C.
Protein change: p.Phe353Ser; replaces phenylalanine 353 with serine.
Molecular consequence: missense variant.
Genome position (GRCh38, 1-based): chr3:14,141,650, T>C. VCF-style: chr3-14141650-T-C. GRCh37 (hg19) VCF-style: chr3-14183150-T-C.
Other names: short protein forms F353S.
Identifiers: ClinVar variation 942943 (VCV000942943.17), dbSNP rs565997790, ClinGen allele CA69738133.